The following is an entry in ClinVar:

ClinVar aggregate classification (germline): Pathogenic. Review status: criteria provided, multiple submitters, no conflicts (2 of 4 stars). 4 submissions from 4 submitters: Pathogenic (2). 2 of the submissions do not count toward it. Last evaluated 2025-08-02.

Conditions:
Leber congenital amaurosis 7 (LCA7). Identifiers: Orphanet 65, MedGen C3151192, MONDO:0013449, OMIM 613829.
Cone-rod dystrophy 2 (CORD2). Also called: CONE-ROD RETINAL DYSTROPHY; Cone-rod retinal dystrophy 2. Identifiers: Orphanet 1872, MedGen C3489532, MONDO:0007362, OMIM 120970.
maculopathy.
CRX-related disorders.

Submissions (4):

Labcorp Genetics (formerly Invitae), Labcorp
Classification: Pathogenic for Cone-rod dystrophy 2; Leber congenital amaurosis 7. Last evaluated: 2025-08-02. Review status: criteria provided, single submitter. Criteria: Invitae Variant Classification Sherloc (09022015). Collection method: clinical testing. Allele origin: germline.
Comment: This sequence change replaces glutamic acid, which is acidic and polar, with lysine, which is basic and polar, at codon 80 of the CRX protein (p.Glu80Lys). This variant is not present in population databases (gnomAD no frequency). This missense change has been observed in individuals with clinical features of autosomal dominant inherited retinal dystrophy (PMID: 10874321, 33691693; internal data). ClinVar contains an entry for this variant (Variation ID: 99599). Invitae Evidence Modeling of protein sequence and biophysical properties (such as structural, functional, and spatial information, amino acid conservation, physicochemical variation, residue mobility, and thermodynamic stability) indicates that this missense variant is expected to disrupt CRX protein function with a positive predictive value of 95%. This variant disrupts the p.Glu80 amino acid residue in CRX. Other variant(s) that disrupt this residue have been determined to be pathogenic (PMID: 9390563, 11971869). This suggests that this residue is clinically significant, and that variants that disrupt this residue are likely to be disease-causing. For these reasons, this variant has been classified as Pathogenic.

Blueprint Genetics
Classification: Pathogenic for CRX-related disorders. Last evaluated: 2022-02-01. Review status: criteria provided, single submitter. Criteria: ACMG Guidelines, 2015. Collection method: clinical testing. Allele origin: germline. Affected: yes. Observed: 5 variant alleles.

Sharon lab, Hadassah-Hebrew University Medical Center
Classification: Likely pathogenic for Maculopathy. Last evaluated: 2019-06-23. Review status: no assertion criteria provided. Collection method: research. Allele origin: inherited. Affected: yes. Not counted in ClinVar's aggregate classification.

Retina International
No classification provided. Review status: no classification provided. Collection method: not provided. Allele origin: not provided. Not counted in ClinVar's aggregate classification.

Literature cited by the submitters: PubMed 10874321 (cited by Labcorp Genetics (formerly Invitae), Labcorp); PubMed 33691693 (cited by Labcorp Genetics (formerly Invitae), Labcorp); PubMed 9390563 (cited by Labcorp Genetics (formerly Invitae), Labcorp); PubMed 11971869 (cited by Labcorp Genetics (formerly Invitae), Labcorp).

NM_000554.6(CRX):c.238G>A (p.Glu80Lys)

Gene: CRX (cone-rod homeobox; plus strand). Cytogenetic location: 19q13.33.
Variant type: single nucleotide variant.
Coding change: c.238G>A on transcript NM_000554.6 (MANE Select); coding-DNA position 238, G replaced by A.
Protein change: p.Glu80Lys; replaces glutamic acid 80 with lysine.
Molecular consequence: missense variant.
Genome position (GRCh38, 1-based): chr19:47,836,380, G>A. VCF-style: chr19-47836380-G-A. GRCh37 (hg19) VCF-style: chr19-48339637-G-A.
Other names: short protein forms E80K.
Identifiers: ClinVar variation 99599 (VCV000099599.10), dbSNP rs62654391, ClinGen allele CA227617.